The following is an entry in ClinVar:

NM_001005273.3(CHD3):c.5167T>A (p.Trp1723Arg)

Gene: CHD3 (chromodomain helicase DNA binding protein 3; plus strand). Cytogenetic location: 17p13.1.
Variant type: single nucleotide variant.
Coding change: c.5167T>A on transcript NM_001005273.3 (MANE Select); coding-DNA position 5167, T replaced by A.
Protein change: p.Trp1723Arg; replaces tryptophan 1723 with arginine.
Molecular consequence: missense variant.
Genome position (GRCh38, 1-based): chr17:7,908,416, T>A. VCF-style: chr17-7908416-T-A. GRCh37 (hg19) VCF-style: chr17-7811734-T-A.
Other names: c.5344T>A, p.Trp1782Arg (NM_001005271.3); c.5065T>A, p.Trp1689Arg (NM_005852.4); short protein forms W1723R, W1782R, W1689R.
Identifiers: ClinVar variation 3632584 (VCV003632584.2).

ClinVar aggregate classification (germline): Uncertain significance (1 of 4 stars; one submission).

Submission:

Labcorp Genetics (formerly Invitae), Labcorp
Classification: Uncertain significance. Last evaluated: 2024-02-14. Review status: criteria provided, single submitter. Criteria: Invitae Variant Classification Sherloc (09022015). Collection method: clinical testing. Allele origin: germline.
Comment: This sequence change replaces tryptophan, which is neutral and slightly polar, with arginine, which is basic and polar, at codon 1782 of the CHD3 protein (p.Trp1782Arg). This variant is not present in population databases (gnomAD no frequency). This variant has not been reported in the literature in individuals affected with CHD3-related conditions. Advanced modeling of protein sequence and biophysical properties (such as structural, functional, and spatial information, amino acid conservation, physicochemical variation, residue mobility, and thermodynamic stability) performed at Invitae indicates that this missense variant is expected to disrupt CHD3 protein function with a positive predictive value of 80%. In summary, the available evidence is currently insufficient to determine the role of this variant in disease. Therefore, it has been classified as a Variant of Uncertain Significance.